The following is an entry in ClinVar:

NM_012463.4(ATP6V0A2):c.117+17_117+20delinsTCT

Genes: ATP6V0A2 (ATPase H+ transporting V0 subunit a2; plus strand), LOC130009117 (ATAC-STARR-seq lymphoblastoid silent region 5049; plus strand). Cytogenetic location: 12q24.31.
Variant type: Indel.
Coding change: c.117+17_117+20delinsTCT on transcript NM_012463.4 (MANE Select); bases 17 to 20 of the intron after coding-DNA position 117, AGAC replaced by TCT.
Molecular consequence: intron variant.
Genome position (GRCh38, 1-based): chr12:123,712,699-123,712,702, AGAC replaced by TCT. VCF-style: chr12-123712699-AGAC-TCT. GRCh37 (hg19) VCF-style: chr12-124197246-AGAC-TCT.
Identifiers: ClinVar variation 509956 (VCV000509956.1), dbSNP rs1555295264, ClinGen allele CA658797972.
Genomic context (GRCh38, chr12:123,712,699, plus strand): 5'-GCCTCAGCGCCCTGGGCGAGAAAGGCCTGGTCCAGTTCCGAGACGTGAGTGTCGCCCGGG[AGAC>TCT]GCGGGCCGCACCTGCTCTCCTGGCGCCCCCAATCCCGCGCATCGCTGGGGCCCTCCCGCG-3'

ClinVar aggregate classification (germline): Likely benign (1 of 4 stars; one submission).

Submission:

GeneDx
Classification: Likely benign. Last evaluated: 2017-05-24. Review status: criteria provided, single submitter. Criteria: GeneDx Variant Classification (06012015). Collection method: clinical testing. Allele origin: germline. Affected: yes.
Comment: This variant is considered likely benign or benign based on one or more of the following criteria: it is a conservative change, it occurs at a poorly conserved position in the protein, it is predicted to be benign by multiple in silico algorithms, and/or has population frequency not consistent with disease.